The following is an entry in ClinVar:

NM_001008537.3(NEXMIF):c.2147T>G (p.Val716Gly)

Gene: NEXMIF (neurite extension and migration factor; minus strand). Cytogenetic location: Xq13.3.
Variant type: single nucleotide variant.
Coding change: c.2147T>G on transcript NM_001008537.3 (MANE Select); coding-DNA position 2147, T replaced by G.
Protein change: p.Val716Gly; replaces valine 716 with glycine.
Molecular consequence: missense variant.
Genome position (GRCh38, 1-based): chrX:74,742,410, A>C on the plus strand (T>G on the coding strand, the complement: NEXMIF is on the minus strand). VCF-style: chrX-74742410-A-C. GRCh37 (hg19) VCF-style: chrX-73962245-A-C.
Other names: short protein forms V716G.
Identifiers: ClinVar variation 541121 (VCV000541121.10), dbSNP rs1022775047, ClinGen allele CA331301762.

ClinVar aggregate classification (germline): Conflicting classifications of pathogenicity. Review status: criteria provided, conflicting classifications (1 of 4 stars). 2 submissions from 2 submitters: Uncertain significance (1); Benign (1). Last evaluated 2025-11-24.

Allele frequency attached by ClinVar (database versions not stated): gnomAD exomes below 0.00001; gnomAD 0.00001 and 0.00003; TOPMed 0.00006.

Submissions (2):

Labcorp Genetics (formerly Invitae), Labcorp
Classification: Benign. Last evaluated: 2025-11-24. Review status: criteria provided, single submitter. Criteria: Invitae Variant Classification Sherloc (09022015). Collection method: clinical testing. Allele origin: germline.

GeneDx
Classification: Uncertain significance. Last evaluated: 2020-12-21. Review status: criteria provided, single submitter. Criteria: GeneDx Variant Classification Process June 2021. Collection method: clinical testing. Allele origin: germline. Affected: yes.
Comment: Not observed in large population cohorts (Lek et al., 2016); In silico analysis, which includes protein predictors and evolutionary conservation, supports a deleterious effect; Has not been previously published as pathogenic or benign to our knowledge